The following is an entry in ClinVar:

ClinVar aggregate classification (germline): Uncertain significance (1 of 4 stars; one submission).

Conditions:
Cryopyrin associated periodic syndrome (CAPS). Identifiers: Orphanet 208650, MedGen C2316212, MONDO:0016168.

Allele frequency attached by ClinVar (database versions not stated): ExAC 0.00001; TOPMed 0.00001.

Submission:

Labcorp Genetics (formerly Invitae), Labcorp
Classification: Uncertain significance for Cryopyrin associated periodic syndrome. Last evaluated: 2024-02-24. Review status: criteria provided, single submitter. Criteria: Invitae Variant Classification Sherloc (09022015). Collection method: clinical testing. Allele origin: germline.
Comment: This sequence change replaces glutamic acid, which is acidic and polar, with lysine, which is basic and polar, at codon 326 of the NLRP3 protein (p.Glu326Lys). This variant is present in population databases (rs746371478, gnomAD 0.0009%). This variant has not been reported in the literature in individuals affected with NLRP3-related conditions. ClinVar contains an entry for this variant (Variation ID: 2198301). Advanced modeling of protein sequence and biophysical properties (such as structural, functional, and spatial information, amino acid conservation, physicochemical variation, residue mobility, and thermodynamic stability) has been performed at Invitae for this missense variant, however the output from this modeling did not meet the statistical confidence thresholds required to predict the impact of this variant on NLRP3 protein function. In summary, the available evidence is currently insufficient to determine the role of this variant in disease. Therefore, it has been classified as a Variant of Uncertain Significance.

NM_001243133.2(NLRP3):c.970G>A (p.Glu324Lys)

Gene: NLRP3 (NLR family pyrin domain containing 3; plus strand). Cytogenetic location: 1q44.
Variant type: single nucleotide variant.
Coding change: c.970G>A on transcript NM_001243133.2 (MANE Select); coding-DNA position 970, G replaced by A.
Protein change: p.Glu324Lys; replaces glutamic acid 324 with lysine.
Molecular consequence: missense variant.
Genome position (GRCh38, 1-based): chr1:247,424,419, G>A. VCF-style: chr1-247424419-G-A. GRCh37 (hg19) VCF-style: chr1-247587721-G-A.
Other names: c.970G>A, p.Glu324Lys (NM_001079821.3, NM_001127461.3, NM_001127462.3 and 1 more transcripts); c.976G>A, p.Glu326Lys (NM_004895.5); short protein forms E324K, E326K.
Identifiers: ClinVar variation 2198301 (VCV002198301.4), dbSNP rs746371478, ClinGen allele CA1494961.
Genomic context (GRCh38, chr1:247,424,419, plus strand): 5'-GAGCTGCAAGGTGCCTTTGACGAGCACATAGGACCGCTCTGCACTGACTGGCAGAAGGCC[G>A]AGCGGGGAGACATTCTCCTGAGCAGCCTCATCAGAAAGAAGCTGCTTCCCGAGGCCTCTC-3'
Protein context (NP_001230062.1, residues 314-334): GPLCTDWQKA[Glu324Lys]RGDILLSSLI